The following is an entry in ClinVar:

NM_001853.4(COL9A3):c.571T>C (p.Phe191Leu)

Gene: COL9A3 (collagen type IX alpha 3 chain; plus strand). Cytogenetic location: 20q13.33.
Variant type: single nucleotide variant.
Coding change: c.571T>C on transcript NM_001853.4 (MANE Select); coding-DNA position 571, T replaced by C.
Protein change: p.Phe191Leu; replaces phenylalanine 191 with leucine.
Molecular consequence: missense variant.
Genome position (GRCh38, 1-based): chr20:62,824,496, T>C. VCF-style: chr20-62824496-T-C. GRCh37 (hg19) VCF-style: chr20-61455848-T-C.
Other names: short protein forms F191L.
Identifiers: ClinVar variation 4803131 (VCV004803131.1).

ClinVar aggregate classification (germline): Uncertain significance (1 of 4 stars; one submission).

gnomAD v4.1: 1 of 1,594,976 alleles (0.000063%); highest among the groups gnomAD compares: South Asian, 0.0011%; no homozygotes.

Submission:

Labcorp Genetics (formerly Invitae), Labcorp
Classification: Uncertain significance. Last evaluated: 2025-03-25. Review status: criteria provided, single submitter. Criteria: Invitae Variant Classification Sherloc (09022015). Collection method: clinical testing. Allele origin: germline.
Comment: This sequence change replaces phenylalanine, which is neutral and non-polar, with leucine, which is neutral and non-polar, at codon 191 of the COL9A3 protein (p.Phe191Leu). This variant is not present in population databases (gnomAD no frequency). This variant has not been reported in the literature in individuals affected with COL9A3-related conditions. Invitae Evidence Modeling of protein sequence and biophysical properties (such as structural, functional, and spatial information, amino acid conservation, physicochemical variation, residue mobility, and thermodynamic stability) indicates that this missense variant is not expected to disrupt COL9A3 protein function with a negative predictive value of 95%. In summary, the available evidence is currently insufficient to determine the role of this variant in disease. Therefore, it has been classified as a Variant of Uncertain Significance.